The following is an entry in ClinVar:

NM_000018.4(ACADVL):c.1382T>C (p.Phe461Ser)

Gene: ACADVL (acyl-CoA dehydrogenase very long chain; plus strand). Cytogenetic location: 17p13.1.
Variant type: single nucleotide variant.
Coding change: c.1382T>C on transcript NM_000018.4 (MANE Select); coding-DNA position 1382, T replaced by C.
Protein change: p.Phe461Ser; replaces phenylalanine 461 with serine.
Molecular consequence: missense variant.
Genome position (GRCh38, 1-based): chr17:7,224,017, T>C. VCF-style: chr17-7224017-T-C. GRCh37 (hg19) VCF-style: chr17-7127336-T-C.
Other names: c.1316T>C, p.Phe439Ser (NM_001033859.3); c.1451T>C, p.Phe484Ser (NM_001270447.2); c.1154T>C, p.Phe385Ser (NM_001270448.2); short protein forms F439S, F484S, F385S, F461S.
Identifiers: ClinVar variation 932770 (VCV000932770.5), dbSNP rs755432945, ClinGen allele CA8338090.

ClinVar aggregate classification (germline): Uncertain significance. Review status: criteria provided, multiple submitters, no conflicts (2 of 4 stars). 4 submissions from 4 submitters: Uncertain significance (4). Last evaluated 2023-11-22.

Conditions:
Very long chain acyl-CoA dehydrogenase deficiency (ACADVLD). Also called: Very Long-Chain Acyl-Coenzyme A Dehydrogenase Deficiency; VLCAD Deficiency. Identifiers: Orphanet 26793, MedGen C3887523, MONDO:0008723, OMIM 201475.

Allele frequency attached by ClinVar (database versions not stated): gnomAD exomes below 0.00001 and 0.00001; TOPMed below 0.00001; ExAC 0.00001.
gnomAD v4.1: 5 of 1,614,124 alleles (0.00031%); highest among the groups gnomAD compares: Non-Finnish European, 0.00042%; no homozygotes.

Submissions (4):

Blueprint Genetics
Classification: Uncertain significance. Last evaluated: 2023-11-22. Review status: criteria provided, single submitter. Criteria: ACMG Guidelines, 2015. Collection method: clinical testing. Allele origin: germline.

ARUP Laboratories, Molecular Genetics and Genomics, ARUP Laboratories
Classification: Uncertain significance for Very long chain acyl-CoA dehydrogenase deficiency. Last evaluated: 2023-09-20. Review status: criteria provided, single submitter. Criteria: ARUP Molecular Germline Variant Investigation Process 2024. Collection method: clinical testing. Allele origin: germline.
Comment: The ACADVL c.1382T>C; p.Phe461Ser variant (rs755432945) is reported in the literature in a heterozygous individual assayed by newborn screen for inborn errors of metabolism (Adhikari 2020). This variant is reported in ClinVar (Variation ID: 932770). This variant is only observed on one allele in the Genome Aggregation Database, indicating it is not a common polymorphism. Computational analyses predict that this variant is deleterious (REVEL: 0.915). However, given the lack of clinical and functional data, the significance of this variant is uncertain at this time. References: Adhikari AN et al. The role of exome sequencing in newborn screening for inborn errors of metabolism. Nat Med. 2020 Sep;26(9):1392-1397. PMID: 32778825.

Labcorp Genetics (formerly Invitae), Labcorp
Classification: Uncertain significance for Very long chain acyl-CoA dehydrogenase deficiency. Last evaluated: 2022-06-12. Review status: criteria provided, single submitter. Criteria: Invitae Variant Classification Sherloc (09022015). Collection method: clinical testing. Allele origin: germline.
Comment: This sequence change replaces phenylalanine, which is neutral and non-polar, with serine, which is neutral and polar, at codon 461 of the ACADVL protein (p.Phe461Ser). This variant is present in population databases (rs755432945, gnomAD 0.006%). This variant has not been reported in the literature in individuals affected with ACADVL-related conditions. ClinVar contains an entry for this variant (Variation ID: 932770). Algorithms developed to predict the effect of missense changes on protein structure and function (SIFT, PolyPhen-2, Align-GVGD) all suggest that this variant is likely to be disruptive. In summary, the available evidence is currently insufficient to determine the role of this variant in disease. Therefore, it has been classified as a Variant of Uncertain Significance.

Wong Mito Lab, Molecular and Human Genetics, Baylor College of Medicine
Classification: Uncertain significance for Very long chain acyl-CoA dehydrogenase deficiency. Last evaluated: 2019-11-01. Review status: criteria provided, single submitter. Criteria: ACMG Guidelines, 2015. Collection method: clinical testing. Allele origin: germline.
Comment: The NM_000018.3:c.1382T>C (NP_000009.1:p.Phe461Ser) [GRCH38: NC_000017.11:g.7224017T>C] variant in ACADVL gene is interpretated to be Uncertain Significance based on ACMG guidelines (PMID: 25741868). This variant has been reported. This variant dose not meet any evidence codes reported in the ACMG guidelines.